The following is an entry in ClinVar:

NM_004260.4(RECQL4):c.2551C>A (p.Pro851Thr)

Gene: RECQL4 (RecQ like helicase 4; minus strand). Cytogenetic location: 8q24.3.
Variant type: single nucleotide variant.
Coding change: c.2551C>A on transcript NM_004260.4 (MANE Select); coding-DNA position 2551, C replaced by A.
Protein change: p.Pro851Thr; replaces proline 851 with threonine.
Molecular consequence: missense variant. On other transcripts: non-coding transcript variant (3).
Genome position (GRCh38, 1-based): chr8:144,513,051, G>T on the plus strand (C>A on the coding strand, the complement: RECQL4 is on the minus strand). VCF-style: chr8-144513051-G-T. GRCh37 (hg19) VCF-style: chr8-145738434-G-T.
Other names: c.2257C>A, p.Pro753Thr (NM_001413017.1); c.2353C>A, p.Pro785Thr (NM_001413018.1); c.2551C>A, p.Pro851Thr (NM_001413019.1, NM_001413036.1); c.2455C>A, p.Pro819Thr (NM_001413020.1); c.1480C>A, p.Pro494Thr (NM_001413021.1, NM_001413022.1, NM_001413023.1 and 5 more transcripts); c.2422C>A, p.Pro808Thr (NM_001413025.1); c.1414C>A, p.Pro472Thr (NM_001413027.1, NM_001413030.1, NM_001413032.1 and 1 more transcripts); c.2200C>A, p.Pro734Thr (NM_001413029.1); and 6 more; short protein forms P362T, P428T, P494T, P734T, P753T, P851T, P484T, P785T.
Identifiers: ClinVar variation 3944265 (VCV003944265.1).
Genomic context (GRCh38, chr8:144,513,051, plus strand): 5'-CCCCACCCACGGCCCCTTCCTGCTCCGAGGGCGGCCTGGTGCAGGTGCAGGTGCAGGCTG[G>T]GAACACGCGCTGTACCAGCCTCTTCACAGCCAGGAAGTCCGTGCTGTCGGCGTGCACATG-3'
Protein context (NP_004251.4, residues 841-861): AVKRLVQRVF[Pro851Thr]ACTCTCTRPP

ClinVar aggregate classification (germline): Uncertain significance (1 of 4 stars; one submission).

Conditions:
Inborn genetic diseases. Identifiers: MedGen C0950123, MeSH D030342.

Submission:

Ambry Genetics
Classification: Uncertain significance for Inborn genetic diseases. Last evaluated: 2025-04-04. Review status: criteria provided, single submitter. Criteria: Ambry Variant Classification Scheme 2023. Collection method: clinical testing. Allele origin: germline.
Comment: The p.P851T variant (also known as c.2551C>A), located in coding exon 15 of the RECQL4 gene, results from a C to A substitution at nucleotide position 2551. The proline at codon 851 is replaced by threonine, an amino acid with highly similar properties. This amino acid position is conserved. In addition, the in silico prediction for this alteration is inconclusive. Based on the available evidence, the clinical significance of this variant remains unclear.